The following is an entry in ClinVar:

ClinVar aggregate classification (germline): Uncertain significance (1 of 4 stars; one submission).

Conditions:
Hereditary cancer-predisposing syndrome. Also called: Neoplastic Syndromes, Hereditary; Tumor predisposition; Hereditary neoplastic syndrome; Hereditary Cancer Syndrome. Identifiers: Orphanet 140162, MedGen C0027672, MeSH D009386, MONDO:0015356.

gnomAD v4.1: 1 of 1,611,000 alleles (0.000062%); highest among the groups gnomAD compares: Non-Finnish European, 0.000085%; no homozygotes.

Submission:

Ambry Genetics
Classification: Uncertain significance for Hereditary cancer-predisposing syndrome. Last evaluated: 2024-01-27. Review status: criteria provided, single submitter. Criteria: Ambry Variant Classification Scheme 2023. Collection method: clinical testing. Allele origin: germline.
Comment: The p.N934K variant (also known as c.2802C>G), located in coding exon 20 of the PDGFRA gene, results from a C to G substitution at nucleotide position 2802. The asparagine at codon 934 is replaced by lysine, an amino acid with similar properties. This amino acid position is conserved. In addition, this alteration is predicted to be tolerated by in silico analysis. Based on the available evidence, the clinical significance of this alteration remains unclear.

NM_006206.6(PDGFRA):c.2802C>G (p.Asn934Lys)

Gene: PDGFRA (platelet derived growth factor receptor alpha; plus strand). Cytogenetic location: 4q12.
Variant type: single nucleotide variant.
Coding change: c.2802C>G on transcript NM_006206.6 (MANE Select); coding-DNA position 2802, C replaced by G.
Protein change: p.Asn934Lys; replaces asparagine 934 with lysine.
Molecular consequence: missense variant.
Genome position (GRCh38, 1-based): chr4:54,289,036, C>G. VCF-style: chr4-54289036-C-G. GRCh37 (hg19) VCF-style: chr4-55155203-C-G.
Other names: c.2877C>G, p.Asn959Lys (NM_001347828.2); c.2802C>G, p.Asn934Lys (NM_001347829.2); c.2841C>G, p.Asn947Lys (NM_001347830.2); short protein forms N934K, N947K, N959K.
Identifiers: ClinVar variation 3225292 (VCV003225292.1), dbSNP rs1577746460, ClinGen allele CA356895709.